The following is an entry in ClinVar:

NM_032119.4(ADGRV1):c.1839+5T>C

Gene: ADGRV1 (adhesion G protein-coupled receptor V1; plus strand). Cytogenetic location: 5q14.3.
Variant type: single nucleotide variant.
Coding change: c.1839+5T>C on transcript NM_032119.4 (MANE Select); 5 bases into the intron after coding-DNA position 1839, T replaced by C.
Molecular consequence: intron variant.
Genome position (GRCh38, 1-based): chr5:90,629,544, T>C. VCF-style: chr5-90629544-T-C. GRCh37 (hg19) VCF-style: chr5-89925361-T-C.
Identifiers: ClinVar variation 1062224 (VCV001062224.7), dbSNP rs2149384144, ClinGen allele CA2499217985.

ClinVar aggregate classification (germline): Uncertain significance (1 of 4 stars; one submission).

Submission:

Labcorp Genetics (formerly Invitae), Labcorp
Classification: Uncertain significance. Last evaluated: 2020-10-24. Review status: criteria provided, single submitter. Criteria: Invitae Variant Classification Sherloc (09022015). Collection method: clinical testing. Allele origin: germline.
Comment: This sequence change falls in intron 9 of the ADGRV1 gene. It does not directly change the encoded amino acid sequence of the ADGRV1 protein. It affects a nucleotide within the consensus splice site of the intron. This variant is not present in population databases (ExAC no frequency). This variant has not been reported in the literature in individuals with ADGRV1-related conditions. Nucleotide substitutions within the consensus splice site are a relatively common cause of aberrant splicing (PMID: 17576681, 9536098). Algorithms developed to predict the effect of sequence changes on RNA splicing suggest that this variant is not likely to affect RNA splicing, but this prediction has not been confirmed by published transcriptional studies. In summary, the available evidence is currently insufficient to determine the role of this variant in disease. Therefore, it has been classified as a Variant of Uncertain Significance.

Literature cited by the submitters: PubMed 17576681; PubMed 9536098.